The following is an entry in ClinVar:

NM_003995.4(NPR2):c.3020A>G (p.Asp1007Gly)

Genes: NPR2 (natriuretic peptide receptor 2; plus strand), SPAG8 (sperm associated antigen 8; minus strand). Cytogenetic location: 9p13.3.
Variant type: single nucleotide variant.
Coding change: c.3020A>G on transcript NM_003995.4 (MANE Select); coding-DNA position 3020, A replaced by G.
Protein change: p.Asp1007Gly; replaces aspartic acid 1007 with glycine.
Molecular consequence: missense variant. On other transcripts: intron variant (2).
Genome position (GRCh38, 1-based): chr9:35,809,189, A>G. VCF-style: chr9-35809189-A-G. GRCh37 (hg19) VCF-style: chr9-35809186-A-G.
Other names: c.3029A>G, p.Asp1010Gly (NM_001378923.1); c.1201-883T>C (NM_001366760.2); c.1372+215T>C (NM_172312.2); short protein forms D1007G, D1010G.
Identifiers: ClinVar variation 4791989 (VCV004791989.1).

ClinVar aggregate classification (germline): Uncertain significance (1 of 4 stars; one submission).

Conditions:
Acromesomelic dysplasia 1, Maroteaux type (AMD1). Also called: ST. HELENA DYSPLASIA; ACROMESOMELIC DYSPLASIA 1. Identifiers: Orphanet 40, MedGen C1864356, MONDO:0011275, OMIM 602875.
Tall stature-scoliosis-macrodactyly of the great toes syndrome. Also called: Epiphyseal chondrodysplasia, miura type. Identifiers: Orphanet 329191, MedGen C4014690, MONDO:0014401, OMIM 615923.

Submission:

Labcorp Genetics (formerly Invitae), Labcorp
Classification: Uncertain significance for Tall stature-scoliosis-macrodactyly of the great toes syndrome; Acromesomelic dysplasia 1, Maroteaux type. Last evaluated: 2026-01-04. Review status: criteria provided, single submitter. Criteria: Invitae Variant Classification Sherloc (09022015). Collection method: clinical testing. Allele origin: germline.
Comment: This sequence change replaces aspartic acid, which is acidic and polar, with glycine, which is neutral and non-polar, at codon 1007 of the NPR2 protein (p.Asp1007Gly). This variant is present in population databases (rs768235885, gnomAD 0.006%). This variant has not been reported in the literature in individuals affected with NPR2-related conditions. Invitae Evidence Modeling of protein sequence and biophysical properties (such as structural, functional, and spatial information, amino acid conservation, physicochemical variation, residue mobility, and thermodynamic stability) indicates that this missense variant is not expected to disrupt NPR2 protein function with a negative predictive value of 80%. Algorithms developed to predict the effect of sequence changes on RNA splicing suggest that this variant may disrupt the consensus splice site. In summary, the available evidence is currently insufficient to determine the role of this variant in disease. Therefore, it has been classified as a Variant of Uncertain Significance.